The following is an entry in ClinVar:

NM_001242896.3(DEPDC5):c.178_181del (p.Glu60fs)

Gene: DEPDC5 (DEP domain containing 5, GATOR1 subcomplex subunit; plus strand). Cytogenetic location: 22q12.2.
Variant type: Deletion.
Coding change: c.178_181del on transcript NM_001242896.3 (MANE Select); coding-DNA positions 178 to 181, 4 bases deleted (GAAG; older notation c.178_181delGAAG).
Protein change: p.Glu60fs; shifts the reading frame from glutamic acid 60.
Molecular consequence: frameshift variant. On other transcripts: non-coding transcript variant (5).
Genome position (GRCh38, 1-based): chr22:31,760,687-31,760,690, GAAG deleted; deleting any 4 consecutive bases within chr22:31,760,684-31,760,690 gives the same sequence; the c. name uses the placement nearest the transcript's 3' end. VCF-style (leftmost placement, unchanged base first): chr22-31760683-TAAGG-T. GRCh37 (hg19) VCF-style: chr22-32156669-TAAGG-T.
Other names: c.178_181del (NM_001242896.1); c.178_181del, p.Glu60fs (NM_001007188.4, NM_001136029.4, NM_001242897.2 and 9 more transcripts); short protein forms E60fs.
Identifiers: ClinVar variation 3656938 (VCV003656938.4).

ClinVar aggregate classification (germline): Pathogenic. Review status: criteria provided, multiple submitters, no conflicts (2 of 4 stars). 2 submissions from 2 submitters: Pathogenic (2). Last evaluated 2026-05-15.

Conditions:
Familial focal epilepsy with variable foci (FPEVF). Identifiers: Orphanet 98820, MedGen C1858477, MONDO:0020310.

Submissions (2):

GeneDx
Classification: Pathogenic. Last evaluated: 2026-05-15. Review status: criteria provided, single submitter. Criteria: GeneDx Variant Classification Process June 2021. Collection method: clinical testing. Allele origin: germline.
Comment: Frameshift variant predicted to result in protein truncation or nonsense mediated decay in a gene for which loss of function is a known mechanism of disease; Not observed at significant frequency in large population cohorts (gnomAD); This variant is associated with the following publications: (PMID: 40317795)

Labcorp Genetics (formerly Invitae), Labcorp
Classification: Pathogenic for Familial focal epilepsy with variable foci. Last evaluated: 2024-06-18. Review status: criteria provided, single submitter. Criteria: Invitae Variant Classification Sherloc (09022015). Collection method: clinical testing. Allele origin: germline.
Comment: This sequence change creates a premature translational stop signal (p.Glu60Ilefs*13) in the DEPDC5 gene. It is expected to result in an absent or disrupted protein product. Loss-of-function variants in DEPDC5 are known to be pathogenic (PMID: 23542697, 23542701). This variant is not present in population databases (gnomAD no frequency). This variant has not been reported in the literature in individuals affected with DEPDC5-related conditions. For these reasons, this variant has been classified as Pathogenic.

Literature cited by the submitters: PubMed 23542697 (cited by Labcorp Genetics (formerly Invitae), Labcorp); PubMed 23542701 (cited by Labcorp Genetics (formerly Invitae), Labcorp).